The following is an entry in ClinVar:

NM_006949.4(STXBP2):c.541G>T (p.Ala181Ser)

Gene: STXBP2 (syntaxin binding protein 2; plus strand). Cytogenetic location: 19p13.2.
Variant type: single nucleotide variant.
Coding change: c.541G>T on transcript NM_006949.4 (MANE Select); coding-DNA position 541, G replaced by T.
Protein change: p.Ala181Ser; replaces alanine 181 with serine.
Molecular consequence: missense variant. On other transcripts: non-coding transcript variant (1).
Genome position (GRCh38, 1-based): chr19:7,641,816, G>T. VCF-style: chr19-7641816-G-T. GRCh37 (hg19) VCF-style: chr19-7706702-G-T.
Other names: c.532G>T, p.Ala178Ser (NM_001127396.3); c.574G>T, p.Ala192Ser (NM_001272034.2); short protein forms A178S, A181S, A192S.
Identifiers: ClinVar variation 1363226 (VCV001363226.6), dbSNP rs1338883281, ClinGen allele CA403158439.

ClinVar aggregate classification (germline): Uncertain significance (1 of 4 stars; one submission).

Conditions:
Familial hemophagocytic lymphohistiocytosis 5. Also called: STXBP2-Related Familial Hemophagocytic Lymphohistiocytosis (STXBP2-fHLH). Identifiers: Orphanet 540, MedGen C2751293, MONDO:0013135, OMIM 613101.

Submission:

Labcorp Genetics (formerly Invitae), Labcorp
Classification: Uncertain significance for Familial hemophagocytic lymphohistiocytosis 5. Last evaluated: 2021-08-17. Review status: criteria provided, single submitter. Criteria: Invitae Variant Classification Sherloc (09022015). Collection method: clinical testing. Allele origin: germline.
Comment: This sequence change replaces alanine with serine at codon 181 of the STXBP2 protein (p.Ala181Ser). The alanine residue is moderately conserved and there is a moderate physicochemical difference between alanine and serine. This variant is not present in population databases (ExAC no frequency). This variant has not been reported in the literature in individuals affected with STXBP2-related conditions. Algorithms developed to predict the effect of missense changes on protein structure and function (SIFT, PolyPhen-2, Align-GVGD) all suggest that this variant is likely to be tolerated. In summary, the available evidence is currently insufficient to determine the role of this variant in disease. Therefore, it has been classified as a Variant of Uncertain Significance.